The following is an entry in ClinVar:

ClinVar aggregate classification (germline): Uncertain significance (1 of 4 stars; one submission).

Conditions:
NCOA1-related disorder. Also called: NCOA1-related condition.

gnomAD v4.1: 2 of 1,614,190 alleles (0.00012%); highest among the groups gnomAD compares: East Asian, 0.0045%; no homozygotes.

Submission:

PreventionGenetics, part of Exact Sciences
Classification: Uncertain significance for NCOA1-related condition. Last evaluated: 2026-06-29. Review status: criteria provided, single submitter. Criteria: ACMG Guidelines, 2015. Collection method: clinical testing. Allele origin: germline.
Comment: The NCOA1 c.1858T>C variant is predicted to result in the amino acid substitution p.Ser620Pro. To our knowledge, this variant has not been reported in the literature. This variant is reported in 0.011% of alleles in individuals of East Asian descent in gnomAD. At this time, the clinical significance of this variant is uncertain due to the absence of conclusive functional and genetic evidence.

NM_003743.5(NCOA1):c.1858T>C (p.Ser620Pro)

Gene: NCOA1 (nuclear receptor coactivator 1; plus strand). Cytogenetic location: 2p23.3.
Variant type: single nucleotide variant.
Coding change: c.1858T>C on transcript NM_003743.5 (MANE Select); coding-DNA position 1858, T replaced by C.
Protein change: p.Ser620Pro; replaces serine 620 with proline.
Molecular consequence: missense variant.
Genome position (GRCh38, 1-based): chr2:24,707,328, T>C. VCF-style: chr2-24707328-T-C. GRCh37 (hg19) VCF-style: chr2-24930197-T-C.
Other names: c.1858T>C, p.Ser620Pro (NM_001362950.1, NM_001362952.1, NM_001362954.1 and 3 more transcripts); short protein forms S620P.
Identifiers: ClinVar variation 4994338 (VCV004994338.1).